The following is an entry in ClinVar:

NM_000059.4(BRCA2):c.1651G>T (p.Asp551Tyr)

Gene: BRCA2 (BRCA2 DNA repair associated; plus strand). Cytogenetic location: 13q13.1.
Variant type: single nucleotide variant.
Coding change: c.1651G>T on transcript NM_000059.4 (MANE Select); coding-DNA position 1651, G replaced by T.
Protein change: p.Asp551Tyr; replaces aspartic acid 551 with tyrosine.
Molecular consequence: missense variant.
Genome position (GRCh38, 1-based): chr13:32,333,129, G>T. VCF-style: chr13-32333129-G-T. GRCh37 (hg19) VCF-style: chr13-32907266-G-T.
Other names: short protein forms D551Y.
Identifiers: ClinVar variation 1018410 (VCV001018410.10), dbSNP rs876660500, ClinGen allele CA387765002.
Genomic context (GRCh38, chr13:32,333,129, plus strand): 5'-AAAGAAACTGAAGCCTCTGAAAGTGGACTGGAAATACATACTGTTTGCTCACAGAAGGAG[G>T]ACTCCTTATGTCCAAATTTAATTGATAATGGAAGCTGGCCAGCCACCACCACACAGAATT-3'
Protein context (NP_000050.3, residues 541-561): EIHTVCSQKE[Asp551Tyr]SLCPNLIDNG

ClinVar aggregate classification (germline): Conflicting classifications of pathogenicity. Review status: criteria provided, conflicting classifications (1 of 4 stars). 2 submissions from 2 submitters: Uncertain significance (1); Likely benign (1). Last evaluated 2023-03-23.

Conditions:
Hereditary cancer-predisposing syndrome. Also called: Tumor predisposition; Neoplastic Syndromes, Hereditary; Hereditary neoplastic syndrome; Hereditary Cancer Syndrome. Identifiers: Orphanet 140162, MedGen C0027672, MeSH D009386, MONDO:0015356.
Hereditary breast ovarian cancer syndrome. Also called: BRCA1- and BRCA2-Associated Hereditary Breast and Ovarian Cancer; Hereditary breast and/or ovarian cancer syndrome; Hereditary breast and ovarian cancer syndrome; Hereditary breast and ovarian cancer; Hereditary breast and ovarian cancer syndrome (HBOC); Breast and ovarian cancer. Identifiers: Orphanet 145, MedGen C0677776, MeSH D061325, MONDO:0003582. Disease mechanism: loss of function.

Submissions (2):

University of Washington Department of Laboratory Medicine, University of Washington
Classification: Likely benign for Hereditary cancer-predisposing syndrome. Last evaluated: 2023-03-23. Review status: criteria provided, single submitter. Criteria: Dines et al. (Genet Med. 2020). Collection method: curation. Allele origin: germline.
Comment: Missense variant in a coldspot region where missense variants are very unlikely to be pathogenic (PMID:31911673).

BRCA2 exon 10 coldspot. Reclassification based on statistical prior probability.

Labcorp Genetics (formerly Invitae), Labcorp
Classification: Uncertain significance for Hereditary breast ovarian cancer syndrome. Last evaluated: 2020-04-21. Review status: criteria provided, single submitter. Criteria: Invitae Variant Classification Sherloc (09022015). Collection method: clinical testing. Allele origin: germline.
Comment: In summary, the available evidence is currently insufficient to determine the role of this variant in disease. Therefore, it has been classified as a Variant of Uncertain Significance. Algorithms developed to predict the effect of missense changes on protein structure and function are either unavailable or do not agree on the potential impact of this missense change (SIFT: "Tolerated"; PolyPhen-2: "Possibly Damaging"; Align-GVGD: "Class C0"). This variant has not been reported in the literature in individuals with BRCA2-related conditions. This variant is not present in population databases (ExAC no frequency). This sequence change replaces aspartic acid with tyrosine at codon 551 of the BRCA2 protein (p.Asp551Tyr). The aspartic acid residue is weakly conserved and there is a large physicochemical difference between aspartic acid and tyrosine.